The following is an entry in ClinVar:

ClinVar aggregate classification (germline): Uncertain significance. Review status: criteria provided, multiple submitters, no conflicts (2 of 4 stars). 3 submissions from 3 submitters: Uncertain significance (3). Last evaluated 2025-12-09.

Conditions:
Inborn genetic diseases. Identifiers: MedGen C0950123, MeSH D030342.
Neonatal diabetes mellitus with congenital hypothyroidism. Also called: NDH SYNDROME. Identifiers: Orphanet 79118, MedGen C1857775, MONDO:0012436, OMIM 610199.

Allele frequency attached by ClinVar (database versions not stated): gnomAD 0.00001; gnomAD exomes 0.00001; TOPMed 0.00002; ExAC 0.00003.
gnomAD v4.1: 7 of 1,613,968 alleles (0.00043%); highest among the groups gnomAD compares: East Asian, 0.0089%; no homozygotes.

Submissions (3):

Ambry Genetics
Classification: Uncertain significance for Inborn genetic diseases. Last evaluated: 2025-12-09. Review status: criteria provided, single submitter. Criteria: Ambry Variant Classification Scheme 2023. Collection method: clinical testing. Allele origin: germline.

Fulgent Genetics
Classification: Uncertain significance for Neonatal diabetes mellitus with congenital hypothyroidism. Last evaluated: 2022-03-30. Review status: criteria provided, single submitter. Criteria: ACMG Guidelines, 2015. Collection method: clinical testing. Allele origin: unknown.

Labcorp Genetics (formerly Invitae), Labcorp
Classification: Uncertain significance. Last evaluated: 2021-04-02. Review status: criteria provided, single submitter. Criteria: Invitae Variant Classification Sherloc (09022015). Collection method: clinical testing. Allele origin: germline.
Comment: This variant is present in population databases (rs753899353, ExAC 0.02%). This variant has not been reported in the literature in individuals with GLIS3-related conditions. Algorithms developed to predict the effect of missense changes on protein structure and function (SIFT, PolyPhen-2, Align-GVGD) all suggest that this variant is likely to be disruptive, but these predictions have not been confirmed by published functional studies and their clinical significance is uncertain. In summary, the available evidence is currently insufficient to determine the role of this variant in disease. Therefore, it has been classified as a Variant of Uncertain Significance. This sequence change replaces proline with alanine at codon 680 of the GLIS3 protein (p.Pro680Ala). The proline residue is highly conserved and there is a small physicochemical difference between proline and alanine.

NM_001042413.2(GLIS3):c.2503C>G (p.Pro835Ala)

Gene: GLIS3 (GLIS family zinc finger 3; minus strand). Cytogenetic location: 9p24.2.
Variant type: single nucleotide variant.
Coding change: c.2503C>G on transcript NM_001042413.2 (MANE Select); coding-DNA position 2503, C replaced by G.
Protein change: p.Pro835Ala; replaces proline 835 with alanine.
Molecular consequence: missense variant.
Genome position (GRCh38, 1-based): chr9:3,829,463, G>C on the plus strand (C>G on the coding strand, the complement: GLIS3 is on the minus strand). VCF-style: chr9-3829463-G-C. GRCh37 (hg19) VCF-style: chr9-3829463-G-C.
Other names: c.2038C>G, p.Pro680Ala (NM_152629.4); c.2038C>G (NM_152629.3); short protein forms P680A, P835A.
Identifiers: ClinVar variation 1371257 (VCV001371257.10), dbSNP rs753899353, ClinGen allele CA4967738.